The following is an entry in ClinVar:

NM_001849.4(COL6A2):c.250G>A (p.Glu84Lys)

Gene: COL6A2 (collagen type VI alpha 2 chain; plus strand). Cytogenetic location: 21q22.3.
Variant type: single nucleotide variant.
Coding change: c.250G>A on transcript NM_001849.4 (MANE Select); coding-DNA position 250, G replaced by A.
Protein change: p.Glu84Lys; replaces glutamic acid 84 with lysine.
Molecular consequence: missense variant.
Genome position (GRCh38, 1-based): chr21:46,112,113, G>A. VCF-style: chr21-46112113-G-A. GRCh37 (hg19) VCF-style: chr21-47532027-G-A.
Other names: c.250G>A, p.Glu84Lys (NM_058174.3, NM_058175.3); c.250G>A (NM_001849.3); short protein forms E84K.
Identifiers: ClinVar variation 1015068 (VCV001015068.14), dbSNP rs932129947, ClinGen allele CA321957171.

ClinVar aggregate classification (germline): Uncertain significance. Review status: criteria provided, multiple submitters, no conflicts (2 of 4 stars). 3 submissions from 3 submitters: Uncertain significance (3). Last evaluated 2026-02-01.

Conditions:
Inborn genetic diseases. Identifiers: MedGen C0950123, MeSH D030342.
Bethlem myopathy 1A. Also called: Bethlem myopathy 1; Bethlem Muscular Dystrophy; MYOPATHY, BENIGN CONGENITAL, WITH CONTRACTURES. Identifiers: Orphanet 610, MedGen CN029274, MONDO:0024530, OMIM 158810.

Allele frequency attached by ClinVar (database versions not stated): gnomAD 0.00001 and 0.00002; gnomAD exomes 0.00001; TOPMed 0.00002.
gnomAD v4.1: 10 of 1,613,098 alleles (0.00062%); highest among the groups gnomAD compares: East Asian, 0.013%; no homozygotes.

Submissions (3):

CeGaT Center for Human Genetics Tuebingen
Classification: Uncertain significance. Last evaluated: 2026-02-01. Review status: criteria provided, single submitter. Criteria: CeGaT Center For Human Genetics Tuebingen Variant Classification Criteria Version 2. Collection method: clinical testing. Allele origin: germline. Affected: yes. Observed: 1 variant allele.
Comment: COL6A2: PM2

Labcorp Genetics (formerly Invitae), Labcorp
Classification: Uncertain significance for Bethlem myopathy 1A. Last evaluated: 2026-01-02. Review status: criteria provided, single submitter. Criteria: Invitae Variant Classification Sherloc (09022015). Collection method: clinical testing. Allele origin: germline.
Comment: This sequence change replaces glutamic acid, which is acidic and polar, with lysine, which is basic and polar, at codon 84 of the COL6A2 protein (p.Glu84Lys). This variant is present in population databases (no rsID available, gnomAD no frequency). This variant has not been reported in the literature in individuals affected with COL6A2-related conditions. ClinVar contains an entry for this variant (Variation ID: 1015068). Invitae Evidence Modeling of protein sequence and biophysical properties (such as structural, functional, and spatial information, amino acid conservation, physicochemical variation, residue mobility, and thermodynamic stability) indicates that this missense variant is not expected to disrupt COL6A2 protein function with a negative predictive value of 80%. In summary, the available evidence is currently insufficient to determine the role of this variant in disease. Therefore, it has been classified as a Variant of Uncertain Significance.

Ambry Genetics
Classification: Uncertain significance for Inborn genetic diseases. Last evaluated: 2024-01-12. Review status: criteria provided, single submitter. Criteria: Ambry Variant Classification Scheme 2023. Collection method: clinical testing. Allele origin: germline.